The following is an entry in ClinVar:

ClinVar aggregate classification (germline): Uncertain significance (1 of 4 stars; one submission).

Conditions:
Hepatic veno-occlusive disease-immunodeficiency syndrome. Also called: Hepatic Veno-Occlusive Disease with Immunodeficiency. Identifiers: Orphanet 79124, MedGen C1856128, MONDO:0009338, OMIM 235550. Disease mechanism: loss of function.

Submission:

Labcorp Genetics (formerly Invitae), Labcorp
Classification: Uncertain significance for Hepatic veno-occlusive disease-immunodeficiency syndrome. Last evaluated: 2022-04-04. Review status: criteria provided, single submitter. Criteria: Invitae Variant Classification Sherloc (09022015). Collection method: clinical testing. Allele origin: germline.
Comment: In summary, the available evidence is currently insufficient to determine the role of this variant in disease. Therefore, it has been classified as a Variant of Uncertain Significance. Algorithms developed to predict the effect of missense changes on protein structure and function are either unavailable or do not agree on the potential impact of this missense change (SIFT: "Deleterious"; PolyPhen-2: "Probably Damaging"; Align-GVGD: "Class C0"). This variant has not been reported in the literature in individuals affected with SP110-related conditions. This variant is not present in population databases (gnomAD no frequency). This sequence change replaces glutamic acid, which is acidic and polar, with glycine, which is neutral and non-polar, at codon 158 of the SP110 protein (p.Glu158Gly).

NM_080424.4(SP110):c.473A>G (p.Glu158Gly)

Genes: SP140 (SP140 nuclear body protein; plus strand), SP110 (SP110 nuclear body protein; minus strand). Cytogenetic location: 2q37.1.
Variant type: single nucleotide variant.
Coding change: c.473A>G on transcript NM_080424.4 (MANE Select); coding-DNA position 473, A replaced by G.
Protein change: p.Glu158Gly; replaces glutamic acid 158 with glycine.
Molecular consequence: missense variant.
Genome position (GRCh38, 1-based): chr2:230,212,871, T>C on the plus strand (A>G on the coding strand, the complement: SP110 is on the minus strand). VCF-style: chr2-230212871-T-C. GRCh37 (hg19) VCF-style: chr2-231077586-T-C.
Other names: c.491A>G, p.Glu164Gly (NM_001185015.2, NM_001378442.1, NM_001378444.1 and 2 more transcripts); c.473A>G, p.Glu158Gly (NM_001378443.1, NM_001378447.1, NM_004509.5 and 1 more transcripts); short protein forms E164G, E158G.
Identifiers: ClinVar variation 2117279 (VCV002117279.4), dbSNP rs2470027500, ClinGen allele CA350916558.